The following is an entry in ClinVar:

NM_145290.4(ADGRA3):c.2885T>A (p.Leu962Ter)

Gene: ADGRA3 (adhesion G protein-coupled receptor A3; minus strand). Cytogenetic location: 4p15.2.
Variant type: single nucleotide variant.
Coding change: c.2885T>A on transcript NM_145290.4 (MANE Select); coding-DNA position 2885, T replaced by A.
Protein change: p.Leu962Ter; replaces leucine 962 with a stop codon.
Molecular consequence: nonsense.
Genome position (GRCh38, 1-based): chr4:22,388,786, A>T on the plus strand (T>A on the coding strand, the complement: ADGRA3 is on the minus strand). VCF-style: chr4-22388786-A-T. GRCh37 (hg19) VCF-style: chr4-22390409-A-T.
Other names: short protein forms L962*.
Identifiers: ClinVar variation 2825022 (VCV002825022.3), dbSNP rs1242316288, ClinGen allele CA356474633.
Genomic context (GRCh38, chr4:22,388,786, plus strand): 5'-GAAATCAGAGACAAAGACATTGAATCCTGATGATTTATTTCGCCATTTTCATTGGCTGCC[A>T]ATCTCTGTTGCTCCTCCGTGGGCTCCTTAAGCTCATATTTGCGCTCAGGGTGTCTTTTCA-3'

ClinVar aggregate classification (germline): Uncertain significance (1 of 4 stars; one submission).

Submission:

Labcorp Genetics (formerly Invitae), Labcorp
Classification: Uncertain significance. Last evaluated: 2022-12-30. Review status: criteria provided, single submitter. Criteria: Invitae Variant Classification Sherloc (09022015). Collection method: clinical testing. Allele origin: germline.
Comment: In summary, the available evidence is currently insufficient to determine the role of this variant in disease. Therefore, it has been classified as a Variant of Uncertain Significance. This variant has not been reported in the literature in individuals affected with ADGRA3-related conditions. This variant is not present in population databases (gnomAD no frequency). This sequence change creates a premature translational stop signal (p.Leu962*) in the ADGRA3 gene. While this is not anticipated to result in nonsense mediated decay, it is expected to disrupt the last 360 amino acid(s) of the ADGRA3 protein.